The following is an entry in ClinVar:

ClinVar aggregate classification (germline): Conflicting classifications of pathogenicity. Review status: criteria provided, conflicting classifications (1 of 4 stars). 5 submissions from 4 submitters: Uncertain significance (1); Likely benign (4). Last evaluated 2026-01-18.

Conditions:
Spherocytosis. Identifiers: MedGen C0553720, HP:0004444.
Hereditary spherocytosis type 1. Also called: Spherocytosis type 1; ANK1-Related Spherocytosis. Identifiers: Orphanet 822, MedGen C2674218, MONDO:0008447, OMIM 182900.

Allele frequency attached by ClinVar (database versions not stated): 1000 Genomes Project 30x 0.00031; TOPMed 0.00037; ESP Exome Variant Server 0.00038; 1000 Genomes Project 0.00040; gnomAD 0.00099.
gnomAD v4.1: 1,157 of 1,612,672 alleles (0.072%); highest among the groups gnomAD compares: Middle Eastern, 0.36%; 3 homozygotes.

Submissions (5):

Labcorp Genetics (formerly Invitae), Labcorp
Classification: Likely benign. Last evaluated: 2026-01-18. Review status: criteria provided, single submitter. Criteria: Invitae Variant Classification Sherloc (09022015). Collection method: clinical testing. Allele origin: germline.

Blueprint Genetics
Classification: Likely benign. Last evaluated: 2024-11-01. Review status: criteria provided, single submitter. Criteria: ACMG Guidelines, 2015. Collection method: clinical testing. Allele origin: germline.

Illumina Laboratory Services, Illumina
Classification: Likely benign for Hereditary spherocytosis type 1. Last evaluated: 2018-01-13. Review status: criteria provided, single submitter. Criteria: ICSL Variant Classification Criteria 13 December 2019. Collection method: clinical testing. Allele origin: germline.
Comment: This variant was observed in the ICSL laboratory as part of a predisposition screen in an ostensibly healthy population. It had not been previously curated by ICSL or reported in the Human Gene Mutation Database (HGMD: prior to June 1st, 2018), and was therefore a candidate for classification through an automated scoring system. Utilizing variant allele frequency, disease prevalence and penetrance estimates, and inheritance mode, an automated score was calculated to assess if this variant is too frequent to cause the disease. Based on the score and internal cut-off values, a variant classified as likely benign is not then subjected to further curation. The score for this variant resulted in a classification of likely benign for this disease.

Illumina Laboratory Services, Illumina
Classification: Uncertain significance for Spherocytosis. Last evaluated: 2018-01-13. Review status: criteria provided, single submitter. Criteria: ICSL Variant Classification Criteria 13 December 2019. Collection method: clinical testing. Allele origin: germline.

PreventionGenetics, part of Exact Sciences
Classification: Likely benign. Review status: criteria provided, single submitter. Criteria: ACMG Guidelines, 2015. Collection method: clinical testing. Allele origin: germline.

NM_000037.4(ANK1):c.2960+13G>T

Gene: ANK1 (ankyrin 1; minus strand). Cytogenetic location: 8p11.21.
Variant type: single nucleotide variant.
Coding change: c.2960+13G>T on transcript NM_000037.4 (MANE Select); 13 bases into the intron after coding-DNA position 2960, G replaced by T.
Molecular consequence: intron variant.
Genome position (GRCh38, 1-based): chr8:41,696,350, C>A on the plus strand (G>T on the coding strand, the complement: ANK1 is on the minus strand). VCF-style: chr8-41696350-C-A. GRCh37 (hg19) VCF-style: chr8-41553868-C-A.
Other names: c.3083+13G>T (NM_001142446.2); c.2960+13G>T (NM_020477.3, NM_020475.3, NM_020476.3).
Identifiers: ClinVar variation 261302 (VCV000261302.10), dbSNP rs200746947, ClinGen allele CA4728036.